The following is an entry in ClinVar:

ClinVar aggregate classification (germline): Uncertain significance (1 of 4 stars; one submission).

Conditions:
Chédiak-Higashi syndrome (CHS). Also called: Chediak-Higashi Syndrome. Identifiers: Orphanet 167, MedGen C0007965, MONDO:0008963, OMIM 214500.

gnomAD v4.1: 2 of 1,614,108 alleles (0.00012%); highest among the groups gnomAD compares: Admixed American, 0.0033%; no homozygotes.

Submission:

Labcorp Genetics (formerly Invitae), Labcorp
Classification: Uncertain significance for Chédiak-Higashi syndrome. Last evaluated: 2023-10-13. Review status: criteria provided, single submitter. Criteria: Invitae Variant Classification Sherloc (09022015). Collection method: clinical testing. Allele origin: germline.
Comment: This sequence change replaces histidine, which is basic and polar, with tyrosine, which is neutral and polar, at codon 2769 of the LYST protein (p.His2769Tyr). This variant is not present in population databases (gnomAD no frequency). This variant has not been reported in the literature in individuals affected with LYST-related conditions. ClinVar contains an entry for this variant (Variation ID: 1024946). Advanced modeling of protein sequence and biophysical properties (such as structural, functional, and spatial information, amino acid conservation, physicochemical variation, residue mobility, and thermodynamic stability) performed at Invitae indicates that this missense variant is not expected to disrupt LYST protein function. In summary, the available evidence is currently insufficient to determine the role of this variant in disease. Therefore, it has been classified as a Variant of Uncertain Significance.

NM_000081.4(LYST):c.8305C>T (p.His2769Tyr)

Gene: LYST (lysosomal trafficking regulator; minus strand). Cytogenetic location: 1q42.3.
Variant type: single nucleotide variant.
Coding change: c.8305C>T on transcript NM_000081.4 (MANE Select); coding-DNA position 8305, C replaced by T.
Protein change: p.His2769Tyr; replaces histidine 2769 with tyrosine.
Molecular consequence: missense variant.
Genome position (GRCh38, 1-based): chr1:235,741,475, G>A on the plus strand (C>T on the coding strand, the complement: LYST is on the minus strand). VCF-style: chr1-235741475-G-A. GRCh37 (hg19) VCF-style: chr1-235904775-G-A.
Other names: c.8305C>T, p.His2769Tyr (NM_001301365.1); short protein forms H2769Y.
Identifiers: ClinVar variation 1024946 (VCV001024946.3), dbSNP rs2527622985, ClinGen allele CA344923419.